The following is an entry in ClinVar:

ClinVar aggregate classification (germline): Benign (0 of 4 stars; one submission).

Conditions:
PRRC2A-related disorder. Also called: PRRC2A-related condition.

Allele frequency attached by ClinVar (database versions not stated): gnomAD exomes 0.02305; ExAC 0.03170; ESP Exome Variant Server 0.03378; gnomAD 0.04509; 1000 Genomes Project 0.04653; 1000 Genomes Project 30x 0.04856; TOPMed 0.05159.
gnomAD v4.1: 40,852 of 1,591,830 alleles (2.6%); highest among the groups gnomAD compares: African/African-American, 8.9%; 1,116 homozygotes.

Submission:

PreventionGenetics, part of Exact Sciences
Classification: Benign for PRRC2A-related condition. Last evaluated: 2020-01-14. Review status: no assertion criteria provided. Collection method: clinical testing. Allele origin: germline.
Comment: This variant is classified as benign based on ACMG/AMP sequence variant interpretation guidelines (Richards et al. 2015 PMID: 25741868, with internal and published modifications).

NM_004638.4(PRRC2A):c.3144A>G (p.Gly1048=)

Gene: PRRC2A (proline rich coiled-coil 2A; plus strand). Cytogenetic location: 6p21.33.
Variant type: single nucleotide variant.
Coding change: c.3144A>G on transcript NM_004638.4 (MANE Select); coding-DNA position 3144, A replaced by G.
Protein change: p.Gly1048=; no amino-acid change (glycine 1048 retained).
Molecular consequence: synonymous variant.
Genome position (GRCh38, 1-based): chr6:31,631,817, A>G. VCF-style: chr6-31631817-A-G. GRCh37 (hg19) VCF-style: chr6-31599594-A-G.
Other names: c.3144A>G, p.Gly1048= (NM_080686.3).
Identifiers: ClinVar variation 3055740 (VCV003055740.2), dbSNP rs10947220, ClinGen allele CA3715847.